The following is an entry in ClinVar:

ClinVar aggregate classification (germline): Uncertain significance (1 of 4 stars; one submission).

Conditions:
UNC79-related disorder. Also called: UNC79-related condition.

Allele frequency attached by ClinVar (database versions not stated): TOPMed below 0.00001; gnomAD 0.00001.
gnomAD v4.1: 1 of 1,613,400 alleles (0.000062%); highest among the groups gnomAD compares: African/African-American, 0.0013%; no homozygotes.

Submission:

PreventionGenetics, part of Exact Sciences
Classification: Uncertain significance for UNC79-related condition. Last evaluated: 2023-09-24. Review status: criteria provided, single submitter. Criteria: ACMG Guidelines, 2015. Collection method: clinical testing. Allele origin: germline.
Comment: The UNC79 c.3766C>T variant is predicted to result in the amino acid substitution p.Pro1256Ser. To our knowledge, this variant has not been reported in the literature or in a large population database, indicating this variant is rare. Of note, a de novo UNC79 missense variant has been reported in an individual with left-sided obstructive heart defect (Supplementary Database 2 at Edwards et al. 2020. PubMed ID: 32368696). At this time, the clinical significance of this variant is uncertain due to the absence of conclusive functional and genetic evidence.

NM_001395159.1(UNC79):c.3832C>T (p.Pro1278Ser)

Gene: UNC79 (unc-79 homolog, NALCN channel complex subunit; plus strand). Cytogenetic location: 14q32.12.
Variant type: single nucleotide variant.
Coding change: c.3832C>T on transcript NM_001395159.1 (MANE Select); coding-DNA position 3832, C replaced by T.
Protein change: p.Pro1278Ser; replaces proline 1278 with serine.
Molecular consequence: missense variant.
Genome position (GRCh38, 1-based): chr14:93,612,808, C>T. VCF-style: chr14-93612808-C-T. GRCh37 (hg19) VCF-style: chr14-94079154-C-T.
Other names: c.3766C>T, p.Pro1256Ser (NM_001346218.2); c.3235C>T, p.Pro1079Ser (NM_020818.5); short protein forms P1079S, P1256S, P1278S.
Identifiers: ClinVar variation 2636036 (VCV002636036.1), dbSNP rs2066405972, ClinGen allele CA390816960.